The following is an entry in ClinVar:

NM_021224.6(ZNF462):c.4864G>A (p.Glu1622Lys)

Gene: ZNF462 (zinc finger protein 462; plus strand). Cytogenetic location: 9q31.2.
Variant type: single nucleotide variant.
Coding change: c.4864G>A on transcript NM_021224.6 (MANE Select); coding-DNA position 4864, G replaced by A.
Protein change: p.Glu1622Lys; replaces glutamic acid 1622 with lysine.
Molecular consequence: missense variant. On other transcripts: intron variant (1).
Genome position (GRCh38, 1-based): chr9:106,928,776, G>A. VCF-style: chr9-106928776-G-A. GRCh37 (hg19) VCF-style: chr9-109691057-G-A.
Other names: c.3252+1612G>A (NM_001347997.2); short protein forms E1622K.
Identifiers: ClinVar variation 2659385 (VCV002659385.24), dbSNP rs769650447, ClinGen allele CA5171907.

ClinVar aggregate classification (germline): Uncertain significance (1 of 4 stars; one submission).

Allele frequency attached by ClinVar (database versions not stated): ExAC 0.00001; gnomAD 0.00001; gnomAD exomes 0.00001; TOPMed 0.00002.
gnomAD v4.1: 25 of 1,613,958 alleles (0.0015%); highest among the groups gnomAD compares: East Asian, 0.0022%; no homozygotes.

Submission:

CeGaT Center for Human Genetics Tuebingen
Classification: Uncertain significance. Last evaluated: 2023-01-01. Review status: criteria provided, single submitter. Criteria: CeGaT Center For Human Genetics Tuebingen Variant Classification Criteria Version 2. Collection method: clinical testing. Allele origin: germline. Affected: yes. Observed: 1 variant allele.
Comment: ZNF462: PM2, BP4